The following is an entry in ClinVar:

NM_003200.5(TCF3):c.433_435dup (p.Gly145_Thr146insGly)

Gene: TCF3 (transcription factor 3; minus strand). Cytogenetic location: 19p13.3.
Variant type: Duplication.
Coding change: c.433_435dup on transcript NM_003200.5 (MANE Select); coding-DNA positions 433 to 435, 3 bases duplicated (GGG; older notation c.433_435dupGGG).
Protein change: p.Gly145_Thr146insGly.
Molecular consequence: inframe insertion.
Genome position (GRCh38, 1-based): chr19:1,625,640-1,625,642, CCC duplicated on the plus strand (GGG on the coding strand, the reverse complement: TCF3 is on the minus strand); duplicating any 3 consecutive bases within chr19:1,625,640-1,625,643 gives the same sequence; the c. name uses the placement nearest the transcript's 3' end. VCF-style (leftmost placement, unchanged base first): chr19-1625639-T-TCCC. GRCh37 (hg19) VCF-style: chr19-1625638-T-TCCC.
Other names: c.433_435dup, p.Gly145_Thr146insGly (NM_001136139.4, NM_001351778.2, NM_001351779.2).
Identifiers: ClinVar variation 1928790 (VCV001928790.5), dbSNP rs1405141296, ClinGen allele CA783691353.

ClinVar aggregate classification (germline): Uncertain significance (1 of 4 stars; one submission).

Submission:

Labcorp Genetics (formerly Invitae), Labcorp
Classification: Uncertain significance. Last evaluated: 2025-08-15. Review status: criteria provided, single submitter. Criteria: Invitae Variant Classification Sherloc (09022015). Collection method: clinical testing. Allele origin: germline.
Comment: This variant, c.433_435dup, results in the insertion of 1 amino acid(s) of the TCF3 protein (p.Gly145dup), but otherwise preserves the integrity of the reading frame. This variant is not present in population databases (gnomAD no frequency). This variant has not been reported in the literature in individuals affected with TCF3-related conditions. ClinVar contains an entry for this variant (Variation ID: 1928790). Experimental studies and prediction algorithms are not available or were not evaluated, and the functional significance of this variant is currently unknown. In summary, the available evidence is currently insufficient to determine the role of this variant in disease. Therefore, it has been classified as a Variant of Uncertain Significance.